The following is an entry in ClinVar:

ClinVar aggregate classification (germline): Likely pathogenic (1 of 4 stars; one submission).

Conditions:
Nemaline myopathy 2 (NEM2). Also called: Nemaline myopathy 2, autosomal recessive. Identifiers: MedGen C1850569, MONDO:0009725, OMIM 256030.

Submission:

Myriad Genetics, Inc.
Classification: Likely pathogenic for Nemaline myopathy 2. Last evaluated: 2021-12-16. Review status: criteria provided, single submitter. Criteria: Myriad Women's Health Autosomal Recessive and X-Linked Classification Criteria (2021). Collection method: clinical testing. Allele origin: unknown.
Comment: NM_001271208.1(NEB):c.7978_7979delCA(Q2660Vfs*10) is expected to be pathogenic in the context of NEB-related nemaline myopathy. This variant is predicted to lead to an abnormal or absent protein product due to the creation of a premature termination codon in NEB, a gene where loss-of-function variants are known to be pathogenic. Please note: this variant was assessed in the context of healthy population screening.

NM_001164508.2(NEB):c.7978_7979del (p.Gln2660fs)

Gene: NEB (nebulin; minus strand). Cytogenetic location: 2q23.3.
Variant type: Deletion.
Coding change: c.7978_7979del on transcript NM_001164508.2 (MANE Select); coding-DNA positions 7978 to 7979, 2 bases deleted (CA; older notation c.7978_7979delCA).
Protein change: p.Gln2660fs; shifts the reading frame from glutamine 2660.
Molecular consequence: frameshift variant.
Genome position (GRCh38, 1-based): chr2:151,643,331-151,643,332, TG deleted on the plus strand (CA on the coding strand, the reverse complement: NEB is on the minus strand). VCF-style (leftmost placement, unchanged base first): chr2-151643330-CTG-C. GRCh37 (hg19) VCF-style: chr2-152499844-CTG-C.
Other names: c.7978_7979del, p.Gln2660fs (NM_001164507.2, NM_001271208.2, NM_004543.5); short protein forms Q2660fs.
Identifiers: ClinVar variation 1726322 (VCV001726322.2), dbSNP rs2552247011, ClinGen allele CA2580064011.